The following is an entry in ClinVar:

NM_003664.5(AP3B1):c.318T>C (p.Ala106=)

Gene: AP3B1 (adaptor related protein complex 3 subunit beta 1; minus strand). Cytogenetic location: 5q14.1.
Variant type: single nucleotide variant.
Coding change: c.318T>C on transcript NM_003664.5 (MANE Select); coding-DNA position 318, T replaced by C.
Protein change: p.Ala106=; no amino-acid change (alanine 106 retained).
Molecular consequence: synonymous variant.
Genome position (GRCh38, 1-based): chr5:78,228,201, A>G on the plus strand (T>C on the coding strand, the complement: AP3B1 is on the minus strand). VCF-style: chr5-78228201-A-G. GRCh37 (hg19) VCF-style: chr5-77524025-A-G.
Other names: p.Ala106=; c.171T>C, p.Ala57= (NM_001271769.2); c.318T>C, p.Ala106= (NM_001410752.1).
Identifiers: ClinVar variation 4684849 (VCV004684849.1).

ClinVar aggregate classification (germline): Likely benign (1 of 4 stars; one submission).

gnomAD v4.1: 2 of 1,612,152 alleles (0.00012%); highest among the groups gnomAD compares: South Asian, 0.0011%; no homozygotes.

Submission:

Mayo Clinic Laboratories, Mayo Clinic
Classification: Likely benign. Last evaluated: 2025-04-01. Review status: criteria provided, single submitter. Criteria: ACMG Guidelines, 2015. Collection method: clinical testing. Allele origin: germline. Observed: 1 variant allele.
Comment: BP4, BP7